The following is an entry in ClinVar:

NM_001142864.4(PIEZO1):c.4955+3G>A

Gene: PIEZO1 (piezo type mechanosensitive ion channel component 1 (Er blood group); minus strand). Cytogenetic location: 16q24.3.
Variant type: single nucleotide variant.
Coding change: c.4955+3G>A on transcript NM_001142864.4 (MANE Select); 3 bases into the intron after coding-DNA position 4955, G replaced by A.
Molecular consequence: intron variant.
Genome position (GRCh38, 1-based): chr16:88,722,215, C>T on the plus strand (G>A on the coding strand, the complement: PIEZO1 is on the minus strand). VCF-style: chr16-88722215-C-T. GRCh37 (hg19) VCF-style: chr16-88788623-C-T.
Other names: p.?.
Identifiers: ClinVar variation 727410 (VCV000727410.22), dbSNP rs569520386, ClinGen allele CA8232002.
Genomic context (GRCh38, chr16:88,722,215, plus strand): 5'-CCCCTGTTCGGCTGCTCCCCGAGGGCCATGGTGAGGCTGGTGTTGTGCGCGTCCCGCCCC[C>T]ACCTGTCCAGGAGCAGCTCGCTGGCCGTCCGCATCAGTCCCTGGTACAGAGAGGCACCAG-3'

ClinVar aggregate classification (germline): Benign/Likely benign. Review status: criteria provided, multiple submitters, no conflicts (2 of 4 stars). 5 submissions from 5 submitters: Benign (1); Likely benign (4). Last evaluated 2025-10-14.

Conditions:
Lymphatic malformation 6 (LMPHM6). Also called: PIEZO1-related generalized lymphatic dysplasia with non-immune hydrops fetalis; GENERALIZED LYMPHATIC DYSPLASIA OF FOTIOU; Lymphedema, hereditary, III. Identifiers: Orphanet 568062, MedGen C4225184, MONDO:0014797, OMIM 616843.
Dehydrated hereditary stomatocytosis with or without pseudohyperkalemia and/or perinatal edema (DHS1). Also called: DEHYDRATED HEREDITARY STOMATOCYTOSIS AND PSEUDOHYPERKALEMIA; PSEUDOHYPERKALEMIA EDINBURGH; DEHYDRATED HEREDITARY STOMATOCYTOSIS WITH PSEUDOHYPERKALEMIA AND PERINATAL EDEMA; Pseudohyperkalemia, familial, 1, due to red cell leak; Dehydrated hereditary stomatocytosis 1 with or without pseudohyperkalemia and/or perinatal edema. Identifiers: Orphanet 3202, MedGen C4551512, MONDO:0008689, OMIM 194380.

Allele frequency attached by ClinVar (database versions not stated): gnomAD exomes 0.00079; ExAC 0.00127; 1000 Genomes Project 30x 0.00203; 1000 Genomes Project 0.00240; TOPMed 0.00330; gnomAD 0.00382.
gnomAD v4.1: 889 of 1,545,538 alleles (0.058%); highest among the groups gnomAD compares: African/African-American, 1%; 2 homozygotes.

Submissions (5):

Labcorp Genetics (formerly Invitae), Labcorp
Classification: Benign. Last evaluated: 2025-10-14. Review status: criteria provided, single submitter. Criteria: Invitae Variant Classification Sherloc (09022015). Collection method: clinical testing. Allele origin: germline.

Mayo Clinic Laboratories, Mayo Clinic
Classification: Likely benign. Last evaluated: 2025-08-11. Review status: criteria provided, single submitter. Criteria: ACMG Guidelines, 2015. Collection method: clinical testing. Allele origin: germline. Observed: 9 variant alleles.
Comment: BS2

ARUP Laboratories, Molecular Genetics and Genomics, ARUP Laboratories
Classification: Likely benign. Last evaluated: 2025-04-17. Review status: criteria provided, single submitter. Criteria: ARUP Molecular Germline Variant Investigation Process 2024. Collection method: clinical testing. Allele origin: germline.

Blueprint Genetics
Classification: Likely benign. Last evaluated: 2024-10-22. Review status: criteria provided, single submitter. Criteria: ACMG Guidelines, 2015. Collection method: clinical testing. Allele origin: germline.

Fulgent Genetics
Classification: Likely benign for Dehydrated hereditary stomatocytosis with or without pseudohyperkalemia and/or perinatal edema; Lymphatic malformation 6. Last evaluated: 2021-09-27. Review status: criteria provided, single submitter. Criteria: ACMG Guidelines, 2015. Collection method: clinical testing. Allele origin: unknown.